The following is an entry in ClinVar:

ClinVar aggregate classification (germline): Uncertain significance (1 of 4 stars; one submission).

Allele frequency attached by ClinVar (database versions not stated): gnomAD exomes below 0.00001; gnomAD 0.00001; TOPMed 0.00001.
gnomAD v4.1: 9 of 1,464,998 alleles (0.00061%); highest among the groups gnomAD compares: East Asian, 0.003%; no homozygotes.

Submission:

Labcorp Genetics (formerly Invitae), Labcorp
Classification: Uncertain significance. Last evaluated: 2023-06-27. Review status: criteria provided, single submitter. Criteria: Invitae Variant Classification Sherloc (09022015). Collection method: clinical testing. Allele origin: germline.
Comment: In summary, the available evidence is currently insufficient to determine the role of this variant in disease. Therefore, it has been classified as a Variant of Uncertain Significance. Advanced modeling of protein sequence and biophysical properties (such as structural, functional, and spatial information, amino acid conservation, physicochemical variation, residue mobility, and thermodynamic stability) performed at Invitae indicates that this missense variant is not expected to disrupt GPAA1 protein function. ClinVar contains an entry for this variant (Variation ID: 1958455). This variant has not been reported in the literature in individuals affected with GPAA1-related conditions. This variant is present in population databases (no rsID available, gnomAD 0.1%). This sequence change replaces asparagine, which is neutral and polar, with serine, which is neutral and polar, at codon 21 of the GPAA1 protein (p.Asn21Ser).

NM_003801.4(GPAA1):c.62A>G (p.Asn21Ser)

Genes: GPAA1 (glycosylphosphatidylinositol anchor attachment 1; plus strand), LOC130001364 (ATAC-STARR-seq lymphoblastoid silent region 19654; plus strand). Cytogenetic location: 8q24.3.
Variant type: single nucleotide variant.
Coding change: c.62A>G on transcript NM_003801.4 (MANE Select); coding-DNA position 62, A replaced by G.
Protein change: p.Asn21Ser; replaces asparagine 21 with serine.
Molecular consequence: missense variant.
Genome position (GRCh38, 1-based): chr8:144,082,792, A>G. VCF-style: chr8-144082792-A-G. GRCh37 (hg19) VCF-style: chr8-145137695-A-G.
Other names: short protein forms N21S.
Identifiers: ClinVar variation 1958455 (VCV001958455.5), dbSNP rs1176305748, ClinGen allele CA372597312.
Genomic context (GRCh38, chr8:144,082,792, plus strand): 5'-TGGGCCTCCTGTCGGACCCGGTTCGCCGGCGCGCGCTCGCCCGCCTAGTGCTGCGCCTCA[A>G]CGCGCCGTTGTGGTGAGGACAGGGCCCGGGGAGGCGGGGACCCGAGGGCCCTGGGCTCGC-3'
Protein context (NP_003792.1, residues 11-31): RALARLVLRL[Asn21Ser]APLCVLSYVA